The following is an entry in ClinVar:

NM_032383.5(HPS3):c.2722A>C (p.Ile908Leu)

Genes: CP (ceruloplasmin; minus strand), HPS3 (HPS3 biogenesis of lysosomal organelles complex 2 subunit 1; plus strand). Cytogenetic location: 3q24.
Variant type: single nucleotide variant.
Coding change: c.2722A>C on transcript NM_032383.5 (MANE Select); coding-DNA position 2722, A replaced by C.
Protein change: p.Ile908Leu; replaces isoleucine 908 with leucine.
Molecular consequence: missense variant.
Genome position (GRCh38, 1-based): chr3:149,167,166, A>C. VCF-style: chr3-149167166-A-C. GRCh37 (hg19) VCF-style: chr3-148884953-A-C.
Other names: c.2227A>C, p.Ile743Leu (NM_001308258.2); short protein forms I743L, I908L.
Identifiers: ClinVar variation 2166454 (VCV002166454.1), dbSNP rs1338969633, ClinGen allele CA354925808.
Genomic context (GRCh38, chr3:149,167,166, plus strand): 5'-ATTGCCGGCCTCAGTGTCCATGTTCTGTGTCGTACACGCTTGAAAGAGTATGAACAGTGC[A>C]TAGACATACTGTTAGAGAGATGCCCGGAGGCAGTCATTCCATATGCTAATCATGAACTGA-3'
Protein context (NP_115759.2, residues 898-918): RTRLKEYEQC[Ile908Leu]DILLERCPEA

ClinVar aggregate classification (germline): Uncertain significance (1 of 4 stars; one submission).

Allele frequency attached by ClinVar (database versions not stated): TOPMed below 0.00001; gnomAD 0.00002.
gnomAD v4.1: 21 of 1,613,324 alleles (0.0013%); highest among the groups gnomAD compares: East Asian, 0.045%; no homozygotes.

Submission:

Labcorp Genetics (formerly Invitae), Labcorp
Classification: Uncertain significance. Last evaluated: 2022-08-15. Review status: criteria provided, single submitter. Criteria: Invitae Variant Classification Sherloc (09022015). Collection method: clinical testing. Allele origin: germline.
Comment: This sequence change replaces isoleucine, which is neutral and non-polar, with leucine, which is neutral and non-polar, at codon 908 of the HPS3 protein (p.Ile908Leu). This variant is not present in population databases (gnomAD no frequency). This variant has not been reported in the literature in individuals affected with HPS3-related conditions. Algorithms developed to predict the effect of missense changes on protein structure and function output the following: SIFT: "Deleterious"; PolyPhen-2: "Benign"; Align-GVGD: "Class C0". The leucine amino acid residue is found in multiple mammalian species, which suggests that this missense change does not adversely affect protein function. In summary, the available evidence is currently insufficient to determine the role of this variant in disease. Therefore, it has been classified as a Variant of Uncertain Significance.